The following is an entry in ClinVar:

NM_004329.3(BMPR1A):c.706A>G (p.Met236Val)

Gene: BMPR1A (bone morphogenetic protein receptor type 1A; plus strand). Cytogenetic location: 10q23.2.
Variant type: single nucleotide variant.
Coding change: c.706A>G on transcript NM_004329.3 (MANE Select); coding-DNA position 706, A replaced by G.
Protein change: p.Met236Val; replaces methionine 236 with valine.
Molecular consequence: missense variant.
Genome position (GRCh38, 1-based): chr10:86,917,164, A>G. VCF-style: chr10-86917164-A-G. GRCh37 (hg19) VCF-style: chr10-88676921-A-G.
Other names: c.781A>G, p.Met261Val (NM_001406559.1); c.754A>G, p.Met252Val (NM_001406560.1); c.706A>G, p.Met236Val (NM_001406561.1, NM_001406562.1, NM_001406563.1 and 19 more transcripts); c.700A>G, p.Met234Val (NM_001406583.1); c.622A>G, p.Met208Val (NM_001406584.1, NM_001406585.1, NM_001406586.1 and 2 more transcripts); c.364A>G, p.Met122Val (NM_001406589.1); short protein forms M122V, M234V, M236V, M208V, M252V, M261V.
Identifiers: ClinVar variation 2171885 (VCV002171885.4), dbSNP rs1303164661, ClinGen allele CA377457125.

ClinVar aggregate classification (germline): Uncertain significance (1 of 4 stars; one submission).

Conditions:
Juvenile polyposis syndrome (JPS). Identifiers: Orphanet 2929, MedGen C0345893, MONDO:0017380, OMIM 174900.

Allele frequency attached by ClinVar (database versions not stated): gnomAD exomes below 0.00001.
gnomAD v4.1: 3 of 1,614,066 alleles (0.00019%); highest among the groups gnomAD compares: South Asian, 0.0022%; no homozygotes.

Submission:

Labcorp Genetics (formerly Invitae), Labcorp
Classification: Uncertain significance for Juvenile polyposis syndrome. Last evaluated: 2025-04-21. Review status: criteria provided, single submitter. Criteria: Invitae Variant Classification Sherloc (09022015). Collection method: clinical testing. Allele origin: germline.
Comment: This sequence change replaces methionine, which is neutral and non-polar, with valine, which is neutral and non-polar, at codon 236 of the BMPR1A protein (p.Met236Val). This variant is present in population databases (no rsID available, gnomAD 0.003%). This variant has not been reported in the literature in individuals affected with BMPR1A-related conditions. ClinVar contains an entry for this variant (Variation ID: 2171885). Invitae Evidence Modeling of protein sequence and biophysical properties (such as structural, functional, and spatial information, amino acid conservation, physicochemical variation, residue mobility, and thermodynamic stability) has been performed for this missense variant. However, the output from this modeling did not meet the statistical confidence thresholds required to predict the impact of this variant on BMPR1A protein function. In summary, the available evidence is currently insufficient to determine the role of this variant in disease. Therefore, it has been classified as a Variant of Uncertain Significance.